The following is an entry in ClinVar:

NM_001114753.3(ENG):c.774C>A (p.Tyr258Ter)

Gene: ENG (endoglin; minus strand). Cytogenetic location: 9q34.11.
Variant type: single nucleotide variant.
Coding change: c.774C>A on transcript NM_001114753.3 (MANE Select); coding-DNA position 774, C replaced by A.
Protein change: p.Tyr258Ter; replaces tyrosine 258 with a stop codon.
Molecular consequence: nonsense.
Genome position (GRCh38, 1-based): chr9:127,825,273, G>T on the plus strand (C>A on the coding strand, the complement: ENG is on the minus strand). VCF-style: chr9-127825273-G-T. GRCh37 (hg19) VCF-style: chr9-130587552-G-T.
Other names: c.774C>A, p.Tyr258Ter (NM_000118.4, NM_001406715.1); c.228C>A, p.Tyr76Ter (NM_001278138.2); short protein forms Y76*, Y258*.
Identifiers: ClinVar variation 949536 (VCV000949536.15), dbSNP rs537154767, ClinGen allele CA374983246.

ClinVar aggregate classification (germline): Pathogenic. Review status: criteria provided, multiple submitters, no conflicts (2 of 4 stars). 5 submissions from 5 submitters: Pathogenic (5). Last evaluated 2024-03-25.

Conditions:
Telangiectasia, hereditary hemorrhagic, type 1 (HHT1). Also called: Osler Weber Rendu syndrome type 1; ENG-Related Hereditary Hemorrhagic Telangiectasia. Identifiers: Orphanet 774, MedGen C4551861, MONDO:0008535, OMIM 187300. Disease mechanism: loss of function.
Hereditary hemorrhagic telangiectasia (HHT). Also called: ORW DISEASE; Osler Weber Rendu syndrome; OSLER-RENDU-WEBER DISEASE; Osler hemorrhagic telangiectasia syndrome. Identifiers: Orphanet 774, MedGen C0039445, MONDO:0019180. Disease mechanism: loss of function.
ENG-related disorder. Also called: ENG-related condition; ENG-related disorders.

Submissions (5):

Genomic Medicine Center of Excellence, King Faisal Specialist Hospital and Research Centre
Classification: Pathogenic for Telangiectasia, hereditary hemorrhagic, type 1. Last evaluated: 2024-03-25. Review status: criteria provided, single submitter. Criteria: ACMG Guidelines, 2015. Collection method: clinical testing. Allele origin: germline.

Blueprint Genetics
Classification: Pathogenic for ENG-related disorders. Last evaluated: 2023-03-01. Review status: criteria provided, single submitter. Criteria: ACMG Guidelines, 2015. Collection method: clinical testing. Allele origin: germline. Affected: yes. Observed: 1 variant allele.

Labcorp Genetics (formerly Invitae), Labcorp
Classification: Pathogenic for Hereditary hemorrhagic telangiectasia. Last evaluated: 2022-06-26. Review status: criteria provided, single submitter. Criteria: Invitae Variant Classification Sherloc (09022015). Collection method: clinical testing. Allele origin: germline.
Comment: For these reasons, this variant has been classified as Pathogenic. ClinVar contains an entry for this variant (Variation ID: 949536). This premature translational stop signal has been observed in individuals with hereditary hemorrhagic telangiectasia (PMID: 24001356; Invitae). This variant is not present in population databases (gnomAD no frequency). This sequence change creates a premature translational stop signal (p.Tyr258*) in the ENG gene. It is expected to result in an absent or disrupted protein product. Loss-of-function variants in ENG are known to be pathogenic (PMID: 15879500).

Victorian Clinical Genetics Services, Murdoch Childrens Research Institute
Classification: Pathogenic for Telangiectasia, hereditary hemorrhagic, type 1. Last evaluated: 2022-02-02. Review status: criteria provided, single submitter. Criteria: ACMG Guidelines, 2015. Collection method: clinical testing. Allele origin: germline. Inheritance: Autosomal dominant inheritance.
Comment: Based on the classification scheme VCGS_Germline_v1.3.4, this variant is classified as Pathogenic. Following criteria are met: 0103 - Dominant negative and loss of function are known mechanisms of disease in this gene and are associated with hereditary hemorrhagic telangiectasia type 1 (HHT; MIM#187300). Protein truncating variants have been associated with loss of function, while missense variants have been demonstrated to have both loss of function and dominant negative effects on protein activity (PMID: 25312062) (I). 0107 - This gene is associated with autosomal dominant disease. (I) 0201 - Variant is predicted to cause nonsense-mediated decay (NMD) and loss of protein (premature termination codon is located at least 54 nucleotides upstream of the final exon-exon junction). (SP) 0251 - This variant is heterozygous. (I) 0301 - Variant is absent from gnomAD (both v2 and v3). (SP) 0701 - Other variants predicted to cause NMD comparable to the one identified in this case have very strong previous evidence for pathogenicity (DECIPHER). (SP) 0802 - This variant has moderate previous evidence of pathogenicity in unrelated individuals. In addition, it was reported de novo in an individual with pulmonary arteriovenous malformations, thought to be the first manifestation of HHT (PMID: 34377910). (I) Legend: (SP) - Supporting pathogenic, (I) - Information, (SB) - Supporting benign

NIHR Bioresource Rare Diseases, University of Cambridge
Classification: Pathogenic for Telangiectasia, hereditary hemorrhagic, type 1. Last evaluated: 2018-01-01. Review status: criteria provided, single submitter. Criteria: ACMG Guidelines, 2015. Collection method: research. Allele origin: unknown. Affected: yes. Observed: 1 variant allele.
Comment: PVS1+PM2+PP4

Literature cited by the submitters: PubMed 24001356 (cited by Labcorp Genetics (formerly Invitae), Labcorp and Victorian Clinical Genetics Services, Murdoch Childrens Research Institute); PubMed 15879500 (cited by Labcorp Genetics (formerly Invitae), Labcorp); PubMed 25312062 (cited by Victorian Clinical Genetics Services, Murdoch Childrens Research Institute); PubMed 34377910 (cited by Victorian Clinical Genetics Services, Murdoch Childrens Research Institute); PubMed 32573726 (cited by NIHR Bioresource Rare Diseases, University of Cambridge).